The following is an entry in ClinVar:

ClinVar aggregate classification (germline): Benign. Review status: criteria provided, multiple submitters, no conflicts (2 of 4 stars). 13 submissions from 13 submitters: Benign (9). 4 of the submissions do not count toward it. Last evaluated 2026-02-04.

Conditions:
Mucopolysaccharidosis type 6 (MPS6). Also called: MPS VI; N-ACETYLGALACTOSAMINE-4-SULFATASE DEFICIENCY; MPS 6; Maroteaux Lamy syndrome; ARSB DEFICIENCY; ARYLSULFATASE B DEFICIENCY. Identifiers: Orphanet 583, MedGen C0026709, MONDO:0009661, OMIM 253200.

Allele frequency attached by ClinVar (database versions not stated): ESP Exome Variant Server 0.04567; TOPMed 0.03592; ExAC 0.04243; gnomAD exomes 0.05485 and 0.04253; 1000 Genomes Project 30x 0.02092; 1000 Genomes Project 0.01957; gnomAD 0.03947 and 0.03984.
gnomAD v4.1: 85,760 of 1,612,922 alleles (5.3%); highest among the groups gnomAD compares: Non-Finnish European, 6.1%; 2,646 homozygotes.

Submissions (13):

Labcorp Genetics (formerly Invitae), Labcorp
Classification: Benign for Mucopolysaccharidosis type 6. Last evaluated: 2026-02-04. Review status: criteria provided, single submitter. Criteria: Invitae Variant Classification Sherloc (09022015). Collection method: clinical testing. Allele origin: germline.

Blueprint Genetics
Classification: Benign. Last evaluated: 2024-11-26. Review status: criteria provided, single submitter. Criteria: ACMG Guidelines, 2015. Collection method: clinical testing. Allele origin: germline.

SIB Swiss Institute of Bioinformatics
Classification: Benign for Mucopolysaccharidosis type 6. Last evaluated: 2018-05-31. Review status: criteria provided, single submitter. Criteria: ACMG Guidelines, 2015. Collection method: curation. Allele origin: unknown.
Comment: This variant is interpreted as a Benign, for Mucopolysaccharidosis type VI, in Autosomal Recessive manner. The following ACMG Tag(s) were applied: BS1 => Allele frequency is greater than expected for disorder. BS2 => Observed in a healthy adult individual for a recessive (homozygous), dominant (heterozygous), or X-linked (hemizygous) disorder, with full penetrance expected at an early age. BP4 => Multiple lines of computational evidence suggest no impact on gene or gene product (conservation, evolutionary, splicing impact, etc.). BS4 => Lack of segregation in affected members of a family (PMID:19259130).

Illumina Laboratory Services, Illumina
Classification: Benign for Mucopolysaccharidosis type 6. Last evaluated: 2018-03-06. Review status: criteria provided, single submitter. Criteria: ICSL Variant Classification Criteria 13 December 2019. Collection method: clinical testing. Allele origin: germline.
Comment: This variant was observed in the ICSL laboratory as part of a predisposition screen in an ostensibly healthy population. It had not been previously curated by ICSL or reported in the Human Gene Mutation Database (HGMD: prior to June 1st, 2018), and was therefore a candidate for classification through an automated scoring system. Utilizing variant allele frequency, disease prevalence and penetrance estimates, and inheritance mode, an automated score was calculated to assess if this variant is too frequent to cause the disease. Based on the score and internal cut-off values, a variant classified as benign is not then subjected to further curation. The score for this variant resulted in a classification of benign for this disease.

Laboratory of Diagnosis and Therapy of Lysosomal Disorders, University of Padova
Classification: Benign for Mucopolysaccharidosis type 6. Last evaluated: 2018-01-01. Review status: criteria provided, single submitter. Criteria: ACMG Guidelines, 2015. Collection method: curation. Allele origin: germline. Affected: yes.
Comment: Allele frequency greater than expected for disorder (BS1); Homozygotes reported in ExAC (BS2); Classified benign by a reputable source (BP6)

GeneDx
Classification: Benign. Last evaluated: 2015-03-03. Review status: criteria provided, single submitter. Criteria: GeneDx Variant Classification Process June 2021. Collection method: clinical testing. Allele origin: germline. Affected: yes.
Comment: This variant is associated with the following publications: (PMID: 19259130, 11668612, 16435196, 18406185, 20981092, 20220177, 23557332, 21228398, 27884173, 28552677)

Eurofins Ntd Llc (ga)
Classification: Benign. Last evaluated: 2012-07-13. Review status: criteria provided, single submitter. Criteria: EGL Classification Definitions 2015. Collection method: clinical testing. Allele origin: germline. Observed: 3 variant alleles, 2 heterozygotes, 1 homozygote.

Breakthrough Genomics
Classification: Benign. Review status: criteria provided, single submitter. Criteria: ACMG Guidelines, 2015. Collection method: not provided. Allele origin: germline. Inheritance: Autosomal recessive inheritance. Affected: yes.

PreventionGenetics, part of Exact Sciences
Classification: Benign. Review status: criteria provided, single submitter. Criteria: ACMG Guidelines, 2015. Collection method: clinical testing. Allele origin: germline.

Natera, Inc.
Classification: Benign for Mucopolysaccharidosis type VI. Last evaluated: 2019-11-05. Review status: no assertion criteria provided. Collection method: clinical testing. Allele origin: germline. Not counted in ClinVar's aggregate classification.

Mayo Clinic Laboratories, Mayo Clinic
Classification: Benign. Last evaluated: 2015-12-16. Review status: no assertion criteria provided. Collection method: clinical testing. Allele origin: unknown. Not counted in ClinVar's aggregate classification.

Clinical Genetics DNA and cytogenetics Diagnostics Lab, Erasmus MC, Erasmus Medical Center
Classification: Benign. Review status: no assertion criteria provided. Collection method: clinical testing. Allele origin: germline. Affected: yes. Study: VKGL Data-share Consensus. Not counted in ClinVar's aggregate classification.

Diagnostic Laboratory, Department of Genetics, University Medical Center Groningen
Classification: Benign. Review status: no assertion criteria provided. Collection method: clinical testing. Allele origin: germline. Affected: yes. Study: VKGL Data-share Consensus. Not counted in ClinVar's aggregate classification.

Literature cited by the submitters: PubMed 19259130 (cited by SIB Swiss Institute of Bioinformatics and Laboratory of Diagnosis and Therapy of Lysosomal Disorders, University of Padova); PubMed 17161971 (cited by Laboratory of Diagnosis and Therapy of Lysosomal Disorders, University of Padova); PubMed 10923267 (cited by Laboratory of Diagnosis and Therapy of Lysosomal Disorders, University of Padova); PubMed 14974081 (cited by Laboratory of Diagnosis and Therapy of Lysosomal Disorders, University of Padova); PubMed 16435196 (cited by Laboratory of Diagnosis and Therapy of Lysosomal Disorders, University of Padova); PubMed 24875751 (cited by Laboratory of Diagnosis and Therapy of Lysosomal Disorders, University of Padova); PubMed 30118150 (cited by Laboratory of Diagnosis and Therapy of Lysosomal Disorders, University of Padova).

NM_000046.5(ARSB):c.1151G>A (p.Ser384Asn)

Gene: ARSB (arylsulfatase B; minus strand). Cytogenetic location: 5q14.1.
Variant type: single nucleotide variant.
Coding change: c.1151G>A on transcript NM_000046.5 (MANE Select); coding-DNA position 1151, G replaced by A.
Protein change: p.Ser384Asn; replaces serine 384 with asparagine.
Molecular consequence: missense variant.
Genome position (GRCh38, 1-based): chr5:78,839,418, C>T on the plus strand (G>A on the coding strand, the complement: ARSB is on the minus strand). VCF-style: chr5-78839418-C-T. GRCh37 (hg19) VCF-style: chr5-78135241-C-T.
Other names: NM_000046.3(ARSB):c.1151G>A(p.Ser384Asn); NM_198709.2(ARSB):c.1151G>A(p.Ser384Asn); c.1151G>A, p.Ser384Asn (NM_198709.3); short protein forms S384N.
Identifiers: ClinVar variation 92352 (VCV000092352.37), dbSNP rs25414, ClinGen allele CA145652.